The following is an entry in ClinVar:

NM_015404.4(WHRN):c.2548G>A (p.Gly850Ser)

Gene: WHRN (whirlin; minus strand). Cytogenetic location: 9q32.
Variant type: single nucleotide variant.
Coding change: c.2548G>A on transcript NM_015404.4 (MANE Select); coding-DNA position 2548, G replaced by A.
Protein change: p.Gly850Ser; replaces glycine 850 with serine.
Molecular consequence: missense variant.
Genome position (GRCh38, 1-based): chr9:114,402,930, C>T on the plus strand (G>A on the coding strand, the complement: WHRN is on the minus strand). VCF-style: chr9-114402930-C-T. GRCh37 (hg19) VCF-style: chr9-117165210-C-T.
Other names: c.1399G>A, p.Gly467Ser (NM_001083885.3); c.2545G>A, p.Gly849Ser (NM_001173425.2); c.1495G>A, p.Gly499Ser (NM_001346890.1); short protein forms G467S, G499S, G849S, G850S.
Identifiers: ClinVar variation 1034567 (VCV001034567.6), dbSNP rs766123228, ClinGen allele CA5205582.

ClinVar aggregate classification (germline): Uncertain significance (1 of 4 stars; one submission).

Allele frequency attached by ClinVar (database versions not stated): ExAC 0.00001; gnomAD 0.00001; gnomAD exomes 0.00001 and 0.00002; TOPMed 0.00002.
gnomAD v4.1: 10 of 1,610,368 alleles (0.00062%); highest among the groups gnomAD compares: Middle Eastern, 0.016%; no homozygotes.

Submission:

Labcorp Genetics (formerly Invitae), Labcorp
Classification: Uncertain significance. Last evaluated: 2021-09-01. Review status: criteria provided, single submitter. Criteria: Invitae Variant Classification Sherloc (09022015). Collection method: clinical testing. Allele origin: germline.
Comment: This sequence change replaces glycine with serine at codon 850 of the WHRN protein (p.Gly850Ser). The glycine residue is highly conserved and there is a small physicochemical difference between glycine and serine. This variant is present in population databases (rs766123228, ExAC 0.01%). This variant has not been reported in the literature in individuals affected with WHRN-related conditions. Algorithms developed to predict the effect of missense changes on protein structure and function are either unavailable or do not agree on the potential impact of this missense change (SIFT: "Deleterious"; PolyPhen-2: "Probably Damaging"; Align-GVGD: "Class C0"). In summary, the available evidence is currently insufficient to determine the role of this variant in disease. Therefore, it has been classified as a Variant of Uncertain Significance.